The following is an entry in ClinVar:

ClinVar aggregate classification (germline): Uncertain significance (1 of 4 stars; one submission).

Conditions:
Developmental and epileptic encephalopathy, 54. Also called: HNRNPU-Related Neurodevelopmental Disorder; Epileptic encephalopathy, early infantile, 54. Identifiers: MedGen C4479319, MONDO:0033363, OMIM 617391.

Submission:

Labcorp Genetics (formerly Invitae), Labcorp
Classification: Uncertain significance for Developmental and epileptic encephalopathy, 54. Last evaluated: 2019-10-16. Review status: criteria provided, single submitter. Criteria: Invitae Variant Classification Sherloc (09022015). Collection method: clinical testing. Allele origin: germline.
Comment: This sequence change replaces alanine with valine at codon 116 of the HNRNPU protein (p.Ala116Val). The alanine residue is weakly conserved and there is a small physicochemical difference between alanine and valine. This variant is not present in population databases (ExAC no frequency). This variant has not been reported in the literature in individuals with HNRNPU-related conditions. Algorithms developed to predict the effect of missense changes on protein structure and function are either unavailable or do not agree on the potential impact of this missense change (SIFT: "Tolerated"; PolyPhen-2: "Possibly Damaging"; Align-GVGD: "Class C0"). In summary, the available evidence is currently insufficient to determine the role of this variant in disease. Therefore, it has been classified as a Variant of Uncertain Significance.

NM_031844.3(HNRNPU):c.347C>T (p.Ala116Val)

Gene: HNRNPU (heterogeneous nuclear ribonucleoprotein U; minus strand). Cytogenetic location: 1q44.
Variant type: single nucleotide variant.
Coding change: c.347C>T on transcript NM_031844.3 (MANE Select); coding-DNA position 347, C replaced by T.
Protein change: p.Ala116Val; replaces alanine 116 with valine.
Molecular consequence: missense variant.
Genome position (GRCh38, 1-based): chr1:244,863,961, G>A on the plus strand (C>T on the coding strand, the complement: HNRNPU is on the minus strand). VCF-style: chr1-244863961-G-A. GRCh37 (hg19) VCF-style: chr1-245027263-G-A.
Other names: c.347C>T, p.Ala116Val (NM_004501.3); short protein forms A116V.
Identifiers: ClinVar variation 967742 (VCV000967742.10), dbSNP rs1680929668, ClinGen allele CA345497324.